The following is an entry in ClinVar:

ClinVar aggregate classification (germline): Uncertain significance (1 of 4 stars; one submission).

Allele frequency attached by ClinVar (database versions not stated): gnomAD exomes below 0.00001.
gnomAD v4.1: 2 of 1,613,286 alleles (0.00012%); highest among the groups gnomAD compares: Non-Finnish European, 0.00017%; no homozygotes.

Submission:

Labcorp Genetics (formerly Invitae), Labcorp
Classification: Uncertain significance. Last evaluated: 2023-02-09. Review status: criteria provided, single submitter. Criteria: Invitae Variant Classification Sherloc (09022015). Collection method: clinical testing. Allele origin: germline.
Comment: In summary, the available evidence is currently insufficient to determine the role of this variant in disease. Therefore, it has been classified as a Variant of Uncertain Significance. Advanced modeling of protein sequence and biophysical properties (such as structural, functional, and spatial information, amino acid conservation, physicochemical variation, residue mobility, and thermodynamic stability) performed at Invitae indicates that this missense variant is not expected to disrupt ALB protein function. This variant has not been reported in the literature in individuals affected with ALB-related conditions. This variant is not present in population databases (gnomAD no frequency). This sequence change replaces proline, which is neutral and non-polar, with threonine, which is neutral and polar, at codon 403 of the ALB protein (p.Pro403Thr).

NM_000477.7(ALB):c.1207C>A (p.Pro403Thr)

Gene: ALB (albumin; plus strand). Cytogenetic location: 4q13.3.
Variant type: single nucleotide variant.
Coding change: c.1207C>A on transcript NM_000477.7 (MANE Select); coding-DNA position 1207, C replaced by A.
Protein change: p.Pro403Thr; replaces proline 403 with threonine.
Molecular consequence: missense variant.
Genome position (GRCh38, 1-based): chr4:73,416,271, C>A. VCF-style: chr4-73416271-C-A. GRCh37 (hg19) VCF-style: chr4-74281988-C-A.
Other names: short protein forms P403T.
Identifiers: ClinVar variation 2835908 (VCV002835908.3), dbSNP rs2476137865, ClinGen allele CA357242470.